The following is an entry in ClinVar:

ClinVar aggregate classification (germline): Uncertain significance (1 of 4 stars; one submission).

Conditions:
Nemaline myopathy 8 (NEM8). Also called: Nemaline myopathy 8, autosomal recessive. Identifiers: Orphanet 171430, MedGen C3809209, MONDO:0014138, OMIM 615348.

Allele frequency attached by ClinVar (database versions not stated): gnomAD exomes below 0.00001; gnomAD 0.00001.

Submission:

Labcorp Genetics (formerly Invitae), Labcorp
Classification: Uncertain significance for Nemaline myopathy 8. Last evaluated: 2021-12-03. Review status: criteria provided, single submitter. Criteria: Invitae Variant Classification Sherloc (09022015). Collection method: clinical testing. Allele origin: germline.
Comment: This sequence change replaces valine, which is neutral and non-polar, with alanine, which is neutral and non-polar, at codon 615 of the KLHL40 protein (p.Val615Ala). This variant is present in population databases (no rsID available, gnomAD 0.007%). This variant has not been reported in the literature in individuals affected with KLHL40-related conditions. Algorithms developed to predict the effect of missense changes on protein structure and function are either unavailable or do not agree on the potential impact of this missense change (SIFT: "Deleterious"; PolyPhen-2: "Benign"; Align-GVGD: "Class C0"). In summary, the available evidence is currently insufficient to determine the role of this variant in disease. Therefore, it has been classified as a Variant of Uncertain Significance.

NM_152393.4(KLHL40):c.1844T>C (p.Val615Ala)

Gene: KLHL40 (kelch like family member 40; plus strand). Cytogenetic location: 3p22.1.
Variant type: single nucleotide variant.
Coding change: c.1844T>C on transcript NM_152393.4 (MANE Select); coding-DNA position 1844, T replaced by C.
Protein change: p.Val615Ala; replaces valine 615 with alanine.
Molecular consequence: missense variant.
Genome position (GRCh38, 1-based): chr3:42,691,971, T>C. VCF-style: chr3-42691971-T-C. GRCh37 (hg19) VCF-style: chr3-42733463-T-C.
Other names: short protein forms V615A.
Identifiers: ClinVar variation 1371574 (VCV001371574.6), dbSNP rs1383540575, ClinGen allele CA352295585.